The following is an entry in ClinVar:

ClinVar aggregate classification (germline): Uncertain significance (1 of 4 stars; one submission).

Allele frequency attached by ClinVar (database versions not stated): TOPMed below 0.00001; ExAC 0.00001.

Submission:

Labcorp Genetics (formerly Invitae), Labcorp
Classification: Uncertain significance. Last evaluated: 2022-08-09. Review status: criteria provided, single submitter. Criteria: Invitae Variant Classification Sherloc (09022015). Collection method: clinical testing. Allele origin: germline.
Comment: This sequence change replaces valine, which is neutral and non-polar, with methionine, which is neutral and non-polar, at codon 217 of the TANGO2 protein (p.Val217Met). The frequency data for this variant in the population databases is considered unreliable, as metrics indicate poor data quality at this position in the gnomAD database. This variant has not been reported in the literature in individuals affected with TANGO2-related conditions. Algorithms developed to predict the effect of missense changes on protein structure and function are either unavailable or do not agree on the potential impact of this missense change (SIFT: "Not Available"; PolyPhen-2: "Benign"; Align-GVGD: "Not Available"). In summary, the available evidence is currently insufficient to determine the role of this variant in disease. Therefore, it has been classified as a Variant of Uncertain Significance.

NM_152906.7(TANGO2):c.649G>A (p.Val217Met)

Gene: TANGO2 (transport and golgi organization 2 homolog; plus strand). Cytogenetic location: 22q11.21.
Variant type: single nucleotide variant.
Coding change: c.649G>A on transcript NM_152906.7 (MANE Select); coding-DNA position 649, G replaced by A.
Protein change: p.Val217Met; replaces valine 217 with methionine.
Molecular consequence: missense variant. On other transcripts: synonymous variant (1), non-coding transcript variant (5), intron variant (1).
Genome position (GRCh38, 1-based): chr22:20,063,381, G>A. VCF-style: chr22-20063381-G-A. GRCh37 (hg19) VCF-style: chr22-20050904-G-A.
Other names: c.649G>A, p.Val217Met (NM_001283106.3, NM_001283116.3, NM_001322142.2); c.772G>A, p.Val258Met (NM_001283129.3, NM_001322141.2, NM_001322143.2); c.647G>A, p.Arg216His (NM_001283148.3, NM_001283154.3); c.463G>A, p.Val155Met (NM_001283179.3, NM_001283186.3, NM_001322163.2 and 2 more transcripts); c.424G>A, p.Val142Met (NM_001283199.3); c.355G>A, p.Val119Met (NM_001283235.3, NM_001322150.2, NM_001322153.2 and 6 more transcripts); c.309G>A, p.Thr103= (NM_001283248.3); c.770G>A, p.Arg257His (NM_001322144.2); and 5 more; short protein forms R216H, V183M, V217M, R154H, R182H, R257H, V196M, V258M.
Identifiers: ClinVar variation 2115033 (VCV002115033.1), dbSNP rs773056136, ClinGen allele CA10106519.